The following is an entry in ClinVar:

ClinVar aggregate classification (germline): Uncertain significance (1 of 4 stars; one submission).

Conditions:
Emery-Dreifuss muscular dystrophy (EDMD). Also called: Scapuloperoneal syndrome, X-linked (formerly); Humeroperoneal neuromuscular disease, (formerly). Identifiers: Orphanet 261, MedGen C0410189, MONDO:0016830.

Allele frequency attached by ClinVar (database versions not stated): gnomAD 0.00001; TOPMed 0.00001.
gnomAD v4.1: 4 of 1,613,730 alleles (0.00025%); highest among the groups gnomAD compares: Non-Finnish European, 0.00034%; no homozygotes.

Submission:

Labcorp Genetics (formerly Invitae), Labcorp
Classification: Uncertain significance for Emery-Dreifuss muscular dystrophy. Last evaluated: 2018-10-16. Review status: criteria provided, single submitter. Criteria: Invitae Variant Classification Sherloc (09022015). Collection method: clinical testing. Allele origin: germline.
Comment: In summary, the available evidence is currently insufficient to determine the role of this variant in disease. Therefore, it has been classified as a Variant of Uncertain Significance. Algorithms developed to predict the effect of missense changes on protein structure and function (SIFT, PolyPhen-2, Align-GVGD) all suggest that this variant is likely to be tolerated, but these predictions have not been confirmed by published functional studies and their clinical significance is uncertain. This variant has not been reported in the literature in individuals with SUN1-related disease. This variant is not present in population databases (ExAC no frequency). This sequence change replaces proline with threonine at codon 358 of the SUN1 protein (p.Pro358Thr). The proline residue is weakly conserved and there is a small physicochemical difference between proline and threonine.

NM_001130965.3(SUN1):c.1072C>A (p.Pro358Thr)

Gene: SUN1 (Sad1 and UNC84 domain containing 1; plus strand). Cytogenetic location: 7p22.3.
Variant type: single nucleotide variant.
Coding change: c.1072C>A on transcript NM_001130965.3 (MANE Select); coding-DNA position 1072, C replaced by A.
Protein change: p.Pro358Thr; replaces proline 358 with threonine.
Molecular consequence: missense variant. On other transcripts: non-coding transcript variant (3).
Genome position (GRCh38, 1-based): chr7:853,427, C>A. VCF-style: chr7-853427-C-A. GRCh37 (hg19) VCF-style: chr7-893064-C-A.
Other names: c.1378C>A, p.Pro460Thr (NM_001367677.1); c.1255C>A, p.Pro419Thr (NM_001367676.1, NM_001367675.1); c.1462C>A, p.Pro488Thr (NM_001367678.1, NM_001367687.1, NM_001367699.1); c.1030C>A, p.Pro344Thr (NM_001367679.1); c.1006C>A, p.Pro336Thr (NM_001367680.1, NM_001367701.1); c.1120C>A, p.Pro374Thr (NM_001367681.1); c.1354C>A, p.Pro452Thr (NM_001367682.1, NM_001367641.1); c.1156C>A, p.Pro386Thr (NM_001367683.1); and 38 more; short protein forms P120T, P169T, P302T, P332T, P357T, P358T, P362T, P367T.
Identifiers: ClinVar variation 639580 (VCV000639580.8), dbSNP rs1402655652, ClinGen allele CA366530998.